The following is an entry in ClinVar:

NM_031229.4(RBCK1):c.205G>C (p.Val69Leu)

Gene: RBCK1 (RANBP2-type and C3HC4-type zinc finger containing 1; plus strand). Cytogenetic location: 20p13.
Variant type: single nucleotide variant.
Coding change: c.205G>C on transcript NM_031229.4 (MANE Select); coding-DNA position 205, G replaced by C.
Protein change: p.Val69Leu; replaces valine 69 with leucine.
Molecular consequence: missense variant. On other transcripts: 5 prime UTR variant (2), non-coding transcript variant (1).
Genome position (GRCh38, 1-based): chr20:417,563, G>C. VCF-style: chr20-417563-G-C. GRCh37 (hg19) VCF-style: chr20-398207-G-C.
Other names: c.-145G>C (NM_001323956.2, NM_001323958.2); c.79G>C, p.Val27Leu (NM_006462.6); c.205G>C (NM_031229.2); short protein forms V27L, V69L.
Identifiers: ClinVar variation 1516075 (VCV001516075.6), dbSNP rs778362577, ClinGen allele CA407949873.

ClinVar aggregate classification (germline): Uncertain significance. Review status: criteria provided, multiple submitters, no conflicts (2 of 4 stars). 2 submissions from 2 submitters: Uncertain significance (2). Last evaluated 2024-03-15.

Conditions:
Inborn genetic diseases. Identifiers: MedGen C0950123, MeSH D030342.
Polyglucosan body myopathy type 1 (PGBM1). Also called: POLYGLUCOSAN BODY MYOPATHY WITHOUT IMMUNODEFICIENCY; Polyglucosan body myopathy 1 with or without immunodeficiency. Identifiers: Orphanet 329173, Orphanet 397937, MedGen C4014605, MONDO:0014389, OMIM 615895.

gnomAD v4.1: 3 of 1,613,822 alleles (0.00019%); highest among the groups gnomAD compares: Admixed American, 0.0017%; no homozygotes.

Submissions (2):

Ambry Genetics
Classification: Uncertain significance for Inborn genetic diseases. Last evaluated: 2024-03-15. Review status: criteria provided, single submitter. Criteria: Ambry Variant Classification Scheme 2023. Collection method: clinical testing. Allele origin: germline.

Labcorp Genetics (formerly Invitae), Labcorp
Classification: Uncertain significance for Polyglucosan body myopathy type 1. Last evaluated: 2022-08-09. Review status: criteria provided, single submitter. Criteria: Invitae Variant Classification Sherloc (09022015). Collection method: clinical testing. Allele origin: germline.
Comment: This sequence change replaces valine, which is neutral and non-polar, with leucine, which is neutral and non-polar, at codon 69 of the RBCK1 protein (p.Val69Leu). This variant is present in population databases (no rsID available, gnomAD 0.0009%). This variant has not been reported in the literature in individuals affected with RBCK1-related conditions. ClinVar contains an entry for this variant (Variation ID: 1516075). Algorithms developed to predict the effect of missense changes on protein structure and function output the following: SIFT: "Not Available"; PolyPhen-2: "Benign"; Align-GVGD: "Not Available". The leucine amino acid residue is found in multiple mammalian species, which suggests that this missense change does not adversely affect protein function. In summary, the available evidence is currently insufficient to determine the role of this variant in disease. Therefore, it has been classified as a Variant of Uncertain Significance.